The following is an entry in ClinVar:

NM_001271.4(CHD2):c.2318A>C (p.Glu773Ala)

Gene: CHD2 (chromodomain helicase DNA binding protein 2; plus strand). Cytogenetic location: 15q26.1.
Variant type: single nucleotide variant.
Coding change: c.2318A>C on transcript NM_001271.4 (MANE Select); coding-DNA position 2318, A replaced by C.
Protein change: p.Glu773Ala; replaces glutamic acid 773 with alanine.
Molecular consequence: missense variant.
Genome position (GRCh38, 1-based): chr15:92,971,893, A>C. VCF-style: chr15-92971893-A-C. GRCh37 (hg19) VCF-style: chr15-93515123-A-C.
Other names: short protein forms E773A.
Identifiers: ClinVar variation 3777628 (VCV003777628.1).

ClinVar aggregate classification (germline): Uncertain significance (1 of 4 stars; one submission).

Submission:

GeneDx
Classification: Uncertain significance. Last evaluated: 2024-10-09. Review status: criteria provided, single submitter. Criteria: GeneDx Variant Classification Process June 2021. Collection method: clinical testing. Allele origin: germline. Affected: yes.
Comment: Not observed at significant frequency in large population cohorts (gnomAD); In silico analysis indicates that this missense variant does not alter protein structure/function; Has not been previously published as pathogenic or benign to our knowledge